The following is an entry in ClinVar:

ClinVar aggregate classification (germline): Uncertain significance. Review status: criteria provided, multiple submitters, no conflicts (2 of 4 stars). 2 submissions from 2 submitters: Uncertain significance (2). Last evaluated 2025-03-17.

Conditions:
Cardiovascular phenotype. Identifiers: MedGen CN230736.
Long QT syndrome (LQTS). Identifiers: MedGen C0023976, MeSH D008133, MONDO:0002442. Disease mechanism: loss of function. Inheritance: Various modes of inheritance.

Allele frequency attached by ClinVar (database versions not stated): gnomAD exomes below 0.00001.
gnomAD v4.1: 1 of 1,607,108 alleles (0.000062%); highest among the groups gnomAD compares: African/African-American, 0.0013%; no homozygotes.

Submissions (2):

Labcorp Genetics (formerly Invitae), Labcorp
Classification: Uncertain significance for Long QT syndrome. Last evaluated: 2025-03-17. Review status: criteria provided, single submitter. Criteria: Invitae Variant Classification Sherloc (09022015). Collection method: clinical testing. Allele origin: germline.
Comment: This sequence change replaces glycine, which is neutral and non-polar, with valine, which is neutral and non-polar, at codon 2869 of the AKAP9 protein (p.Gly2869Val). This variant is not present in population databases (gnomAD no frequency). This variant has not been reported in the literature in individuals affected with AKAP9-related conditions. ClinVar contains an entry for this variant (Variation ID: 1764027). An algorithm developed to predict the effect of missense changes on protein structure and function (PolyPhen-2) suggests that this variant is likely to be tolerated. In summary, the available evidence is currently insufficient to determine the role of this variant in disease. Therefore, it has been classified as a Variant of Uncertain Significance.

Ambry Genetics
Classification: Uncertain significance for Cardiovascular phenotype. Last evaluated: 2021-09-07. Review status: criteria provided, single submitter. Criteria: Ambry Variant Classification Scheme 2023. Collection method: clinical testing. Allele origin: germline.
Comment: The p.G2869V variant (also known as c.8606G>T), located in coding exon 33 of the AKAP9 gene, results from a G to T substitution at nucleotide position 8606. The glycine at codon 2869 is replaced by valine, an amino acid with dissimilar properties. This amino acid position is conserved. In addition, this alteration is predicted to be tolerated by in silico analysis. Since supporting evidence is limited at this time, the clinical significance of this alteration remains unclear.

NM_005751.5(AKAP9):c.8606G>T (p.Gly2869Val)

Gene: AKAP9 (A-kinase anchoring protein 9; plus strand). Cytogenetic location: 7q21.2.
Variant type: single nucleotide variant.
Coding change: c.8606G>T on transcript NM_005751.5 (MANE Select); coding-DNA position 8606, G replaced by T.
Protein change: p.Gly2869Val; replaces glycine 2869 with valine.
Molecular consequence: missense variant.
Genome position (GRCh38, 1-based): chr7:92,083,615, G>T. VCF-style: chr7-92083615-G-T. GRCh37 (hg19) VCF-style: chr7-91712929-G-T.
Other names: c.3251G>T, p.Gly1084Val (NM_001379277.1); c.8582G>T, p.Gly2861Val (NM_147185.3); short protein forms G2861V, G2869V, G1084V.
Identifiers: ClinVar variation 1764027 (VCV001764027.3), dbSNP rs1813984684, ClinGen allele CA368139962.
Genomic context (GRCh38, chr7:92,083,615, plus strand): 5'-AAACTGAAACCTTAAAGAGGGAACACTATGTTGCCGTTCAGTTACTGAAAGAGGAATGTG[G>T]TACCTTGAAGGCAGTGATACAGTGTCTGAGAAGTAAAGAGGTATTTGGTTTTTATAATAT-3'
Protein context (NP_005742.4, residues 2859-2879): VAVQLLKEEC[Gly2869Val]TLKAVIQCLR